The following is an entry in ClinVar:

NM_001163809.2(WDR81):c.1072A>G (p.Ser358Gly)

Gene: WDR81 (WD repeat domain 81; plus strand). Cytogenetic location: 17p13.3.
Variant type: single nucleotide variant.
Coding change: c.1072A>G on transcript NM_001163809.2 (MANE Select); coding-DNA position 1072, A replaced by G.
Protein change: p.Ser358Gly; replaces serine 358 with glycine.
Molecular consequence: missense variant. On other transcripts: intron variant (3).
Genome position (GRCh38, 1-based): chr17:1,726,031, A>G. VCF-style: chr17-1726031-A-G. GRCh37 (hg19) VCF-style: chr17-1629325-A-G.
Other names: c.-123-1959A>G (NM_152348.4); c.59-4349A>G (NM_001163673.2); c.-15+1245A>G (NM_001163811.2); short protein forms S358G.
Identifiers: ClinVar variation 1029177 (VCV001029177.2), dbSNP rs780969097, ClinGen allele CA8273015.
Genomic context (GRCh38, chr17:1,726,031, plus strand): 5'-CAACCCACTGGCCAGGAGGAACTTCGGAGCCTCGTGCTAGATTGGGTCCACGGCCGCATC[A>G]GCAACTTCCACTACCTCATGCAGCTGAATCGGTTGGCAGGTCGGCGGCAGGGGGACCCCA-3'
Protein context (NP_001157281.1, residues 348-368): LVLDWVHGRI[Ser358Gly]NFHYLMQLNR

ClinVar aggregate classification (germline): Uncertain significance. Review status: criteria provided, multiple submitters, no conflicts (2 of 4 stars). 2 submissions from 2 submitters: Uncertain significance (2). Last evaluated 2024-03-29.

Conditions:
Cerebellar ataxia, impaired intellectual development, and dysequilibrium syndrome 2. Also called: Cerebellar ataxia, intellectual disability, and dysequilibrium syndrome 2; CEREBELLAR ATAXIA, MENTAL RETARDATION, AND DYSEQUILIBRIUM SYNDROME 2; CEREBELLAR ATAXIA AND MENTAL RETARDATION WITH OR WITHOUT QUADRUPEDAL LOCOMOTION 2. Identifiers: Orphanet 1766, MedGen C2750234, MONDO:0012430, OMIM 610185.

Allele frequency attached by ClinVar (database versions not stated): TOPMed 0.00023; ExAC 0.00047; gnomAD 0.00018 and 0.00020; gnomAD exomes 0.00018 and 0.00033.
gnomAD v4.1: 298 of 1,545,032 alleles (0.019%); highest among the groups gnomAD compares: Middle Eastern, 0.42%; 1 homozygote.

Submissions (2):

Genomic Medicine Center of Excellence, King Faisal Specialist Hospital and Research Centre
Classification: Uncertain significance for Cerebellar ataxia, impaired intellectual development, and dysequilibrium syndrome 2. Last evaluated: 2024-03-29. Review status: criteria provided, single submitter. Criteria: ACMG Guidelines, 2015. Collection method: clinical testing. Allele origin: germline.

Baylor Genetics
Classification: Uncertain significance for Cerebellar ataxia, impaired intellectual development, and dysequilibrium syndrome 2. Last evaluated: 2020-05-05. Review status: criteria provided, single submitter. Criteria: ACMG Guidelines, 2015. Collection method: clinical testing. Allele origin: unknown. Affected: yes.
Comment: This variant was determined to be of uncertain significance according to ACMG Guidelines, 2015 [PMID:25741868].